The following is an entry in ClinVar:

ClinVar aggregate classification (germline): Uncertain significance (1 of 4 stars; one submission).

Conditions:
X-linked Alport syndrome (ATS1). Also called: NEPHROPATHY AND DEAFNESS, X-LINKED; COL4A5-Related Nephropathy. Identifiers: Orphanet 63, Orphanet 88917, MedGen C4746986, MONDO:0010520, OMIM 301050.

Submission:

Juno Genomics, Hangzhou Juno Genomics, Inc
Classification: Uncertain significance for X-linked Alport syndrome. Review status: criteria provided, single submitter. Criteria: ACMG Guidelines, 2015. Collection method: clinical testing. Allele origin: germline. Affected: yes.
Comment: Absent from controls (or at extremely low frequency if recessive) in Genome Aggregation Database, Exome Sequencing Project, 1000 Genomes Project, or Exome Aggregation Consortium.;Patient's phenotype or family history is highly specific for a disease with a single genetic etiology.

NM_033380.3(COL4A5):c.465+2dup

Gene: COL4A5 (collagen type IV alpha 5 chain; plus strand). Cytogenetic location: Xq22.3.
Variant type: Duplication.
Coding change: c.465+2dup on transcript NM_033380.3 (MANE Select); the canonical splice donor site of the intron after coding-DNA position 465, one base duplicated (T; older notation c.465+2dupT).
Molecular consequence: splice donor variant.
Genome position (GRCh38, 1-based): chrX:108,571,839, T duplicated. VCF-style (leftmost placement, unchanged base first): chrX-108571838-G-GT. GRCh37 (hg19) VCF-style: chrX-107815068-G-GT.
Other names: c.465+2dup (NM_000495.5).
Identifiers: ClinVar variation 3382898 (VCV003382898.2).